The following is an entry in ClinVar:

ClinVar aggregate classification (germline): Uncertain significance. Review status: criteria provided, multiple submitters, no conflicts (2 of 4 stars). 2 submissions from 2 submitters: Uncertain significance (2). Last evaluated 2025-12-17.

gnomAD v4.1: 1 of 1,585,242 alleles (0.000063%); highest among the groups gnomAD compares: Non-Finnish European, 0.000086%; no homozygotes.

Submissions (2):

Labcorp Genetics (formerly Invitae), Labcorp
Classification: Uncertain significance. Last evaluated: 2025-12-17. Review status: criteria provided, single submitter. Criteria: Invitae Variant Classification Sherloc (09022015). Collection method: clinical testing. Allele origin: germline.
Comment: This sequence change replaces serine, which is neutral and polar, with phenylalanine, which is neutral and non-polar, at codon 206 of the TERF2IP protein (p.Ser206Phe). The frequency data for this variant in the population databases is considered unreliable, as metrics indicate poor data quality at this position in the gnomAD database. This variant has not been reported in the literature in individuals affected with TERF2IP-related conditions. ClinVar contains an entry for this variant (Variation ID: 3227186). An algorithm developed to predict the effect of missense changes on protein structure and function (PolyPhen-2) suggests that this variant is likely to be disruptive. In summary, the available evidence is currently insufficient to determine the role of this variant in disease. Therefore, it has been classified as a Variant of Uncertain Significance.

Ambry Genetics
Classification: Uncertain significance. Last evaluated: 2024-01-25. Review status: criteria provided, single submitter. Criteria: Ambry Variant Classification Scheme 2023. Collection method: clinical testing. Allele origin: germline.
Comment: The p.S206F variant (also known as c.617C>T), located in coding exon 1 of the TERF2IP gene, results from a C to T substitution at nucleotide position 617. The serine at codon 206 is replaced by phenylalanine, an amino acid with highly dissimilar properties. This amino acid position is conserved. In addition, this alteration is predicted to be tolerated by in silico analysis. Based on the available evidence, the clinical significance of this alteration remains unclear.

NM_018975.4(TERF2IP):c.617C>T (p.Ser206Phe)

Gene: TERF2IP (TERF2 interacting protein; plus strand). Cytogenetic location: 16q23.1.
Variant type: single nucleotide variant.
Coding change: c.617C>T on transcript NM_018975.4 (MANE Select); coding-DNA position 617, C replaced by T.
Protein change: p.Ser206Phe; replaces serine 206 with phenylalanine.
Molecular consequence: missense variant. On other transcripts: non-coding transcript variant (1).
Genome position (GRCh38, 1-based): chr16:75,648,499, C>T. VCF-style: chr16-75648499-C-T. GRCh37 (hg19) VCF-style: chr16-75682397-C-T.
Other names: short protein forms S206F.
Identifiers: ClinVar variation 3227186 (VCV003227186.2), dbSNP rs527772778, ClinGen allele CA8178022.